The following is an entry in ClinVar:

NM_004304.5(ALK):c.2570A>T (p.His857Leu)

Gene: ALK (ALK receptor tyrosine kinase; minus strand). Cytogenetic location: 2p23.2.
Variant type: single nucleotide variant.
Coding change: c.2570A>T on transcript NM_004304.5 (MANE Select); coding-DNA position 2570, A replaced by T.
Protein change: p.His857Leu; replaces histidine 857 with leucine.
Molecular consequence: missense variant.
Genome position (GRCh38, 1-based): chr2:29,232,366, T>A on the plus strand (A>T on the coding strand, the complement: ALK is on the minus strand). VCF-style: chr2-29232366-T-A. GRCh37 (hg19) VCF-style: chr2-29455232-T-A.
Other names: short protein forms H857L.
Identifiers: ClinVar variation 836709 (VCV000836709.9), dbSNP rs1664237639, ClinGen allele CA346471778.

ClinVar aggregate classification (germline): Uncertain significance (1 of 4 stars; one submission).

Conditions:
Neuroblastoma, susceptibility to, 3. Also called: ALK-Related Neuroblastic Tumor Susceptibility. Identifiers: Orphanet 635, MedGen C2751681, MONDO:0013083, OMIM 613014.

Submission:

Labcorp Genetics (formerly Invitae), Labcorp
Classification: Uncertain significance for Neuroblastoma, susceptibility to, 3. Last evaluated: 2021-04-26. Review status: criteria provided, single submitter. Criteria: Invitae Variant Classification Sherloc (09022015). Collection method: clinical testing. Allele origin: germline.
Comment: In summary, the available evidence is currently insufficient to determine the role of this variant in disease. Therefore, it has been classified as a Variant of Uncertain Significance. Algorithms developed to predict the effect of missense changes on protein structure and function are either unavailable or do not agree on the potential impact of this missense change (SIFT: "Deleterious"; PolyPhen-2: "Benign"; Align-GVGD: "Class C65"). This variant has not been reported in the literature in individuals with ALK-related conditions. ClinVar contains an entry for this variant (Variation ID: 836709). This variant is not present in population databases (ExAC no frequency). This sequence change replaces histidine with leucine at codon 857 of the ALK protein (p.His857Leu). The histidine residue is highly conserved and there is a moderate physicochemical difference between histidine and leucine.